The following is an entry in ClinVar:

ClinVar aggregate classification (germline): Uncertain significance (1 of 4 stars; one submission).

Conditions:
Familial cancer of breast. Also called: hereditary breast carcinoma; BREAST CANCER, FAMILIAL; Hereditary breast cancer. Identifiers: Orphanet 227535, MedGen C0346153, MONDO:0016419, OMIM 114480. Disease mechanism: loss of function.

Submission:

Labcorp Genetics (formerly Invitae), Labcorp
Classification: Uncertain significance for Familial cancer of breast. Last evaluated: 2025-02-13. Review status: criteria provided, single submitter. Criteria: Invitae Variant Classification Sherloc (09022015). Collection method: clinical testing. Allele origin: germline.
Comment: This sequence change replaces valine, which is neutral and non-polar, with methionine, which is neutral and non-polar, at codon 1105 of the PALB2 protein (p.Val1105Met). This variant is not present in population databases (gnomAD no frequency). This variant has not been reported in the literature in individuals affected with PALB2-related conditions. An algorithm developed to predict the effect of missense changes on protein structure and function outputs the following: PolyPhen-2: "Benign". The methionine amino acid residue is found in multiple mammalian species, which suggests that this missense change does not adversely affect protein function. Algorithms developed to predict the effect of sequence changes on RNA splicing suggest that this variant may disrupt the consensus splice site. In summary, the available evidence is currently insufficient to determine the role of this variant in disease. Therefore, it has been classified as a Variant of Uncertain Significance.

NM_024675.4(PALB2):c.3313G>A (p.Val1105Met)

Gene: PALB2 (partner and localizer of BRCA2; minus strand). Cytogenetic location: 16p12.2.
Variant type: single nucleotide variant.
Coding change: c.3313G>A on transcript NM_024675.4 (MANE Select); coding-DNA position 3313, G replaced by A.
Protein change: p.Val1105Met; replaces valine 1105 with methionine.
Molecular consequence: missense variant. On other transcripts: intron variant (8).
Genome position (GRCh38, 1-based): chr16:23,607,901, C>T on the plus strand (G>A on the coding strand, the complement: PALB2 is on the minus strand). VCF-style: chr16-23607901-C-T. GRCh37 (hg19) VCF-style: chr16-23619222-C-T.
Other names: c.3253G>A, p.Val1085Met (NM_001407296.1); c.3241G>A, p.Val1081Met (NM_001407297.1); c.3151G>A, p.Val1051Met (NM_001407298.1); c.3034G>A, p.Val1012Met (NM_001407300.1); c.2428G>A, p.Val810Met (NM_001407304.1, NM_001407305.1, NM_001407306.1); c.2266G>A, p.Val756Met (NM_001407307.1); c.1525G>A, p.Val509Met (NM_001407312.1); c.847G>A, p.Val283Met (NM_001407314.1); and 6 more; short protein forms V1012M, V1085M, V1105M, V509M, V810M, V283M, V1051M, V1081M.
Identifiers: ClinVar variation 4713015 (VCV004713015.1).